The following is an entry in ClinVar:

ClinVar aggregate classification (germline): Uncertain significance. Review status: criteria provided, multiple submitters, no conflicts (2 of 4 stars). 2 submissions from 2 submitters: Uncertain significance (2). Last evaluated 2022-07-29.

Conditions:
Cardiovascular phenotype. Identifiers: MedGen CN230736.
RASopathy. Also called: rasopathies; Noonan spectrum disorder. Identifiers: Orphanet 536391, MedGen C5555857, MONDO:0021060.

Submissions (2):

Labcorp Genetics (formerly Invitae), Labcorp
Classification: Uncertain significance for RASopathy. Last evaluated: 2022-07-29. Review status: criteria provided, single submitter. Criteria: Invitae Variant Classification Sherloc (09022015). Collection method: clinical testing. Allele origin: germline.
Comment: This variant, c.1567_1569del, results in the deletion of 1 amino acid(s) of the RAF1 protein (p.Asn523del), but otherwise preserves the integrity of the reading frame. This variant is not present in population databases (gnomAD no frequency). This variant has not been reported in the literature in individuals affected with RAF1-related conditions. Experimental studies and prediction algorithms are not available or were not evaluated, and the functional significance of this variant is currently unknown. In summary, the available evidence is currently insufficient to determine the role of this variant in disease. Therefore, it has been classified as a Variant of Uncertain Significance.

Ambry Genetics
Classification: Uncertain significance for Cardiovascular phenotype. Last evaluated: 2018-10-31. Review status: criteria provided, single submitter. Criteria: Ambry Variant Classification Scheme 2023. Collection method: clinical testing. Allele origin: germline.
Comment: The c.1567_1569delAAC variant (also known as p.N523del) is located in coding exon 14 of the RAF1 gene. This variant results from an in-frame AAC deletion at nucleotide positions 1567 to 1569. This results in the in-frame deletion of an asparagine at codon 523. This amino acid position is highly conserved in available vertebrate species. Since supporting evidence is limited at this time, the clinical significance of this alteration remains unclear.

NM_002880.4(RAF1):c.1564AAC[1] (p.Asn523del)

Gene: RAF1 (Raf-1 proto-oncogene, serine/threonine kinase; minus strand). Cytogenetic location: 3p25.2.
Variant type: Microsatellite.
Coding change: c.1564AAC[1] on transcript NM_002880.4 (MANE Select); one copy of the 3-base unit AAC starting at c.1564; the reference has two copies in a row; one copy, 3 bases deleted.
Protein change: p.Asn523del; deletes asparagine 523.
Molecular consequence: inframe deletion. On other transcripts: inframe indel (2), non-coding transcript variant (3).
Genome position (GRCh38, 1-based): chr3:12,585,221-12,585,223, GTT deleted on the plus strand (AAC on the coding strand, the reverse complement: RAF1 is on the minus strand); deleting any 3 consecutive bases within chr3:12,585,221-12,585,226 gives the same sequence; the position shown is the placement nearest the transcript's 3' end. VCF-style (leftmost placement, unchanged base first): chr3-12585220-GGTT-G. GRCh37 (hg19) VCF-style: chr3-12626719-GGTT-G.
Other names: c.1567_1569delAAC (NM_002880.3); c.1624AAC[1], p.Asn543del (NM_001354689.3); c.1564AAC[1], p.Asn523del (NM_001354690.3); c.1321AAC[1], p.Asn442del (NM_001354691.3, NM_001354692.3); c.1465AAC[1], p.Asn490del (NM_001354693.3); c.1381AAC[1], p.Asn462del (NM_001354694.3); c.1222AAC[1], p.Asn409del (NM_001354695.3); c.1564_1566AAC[1], p.Asn523del (NM_002880.3); short protein forms N462del, N543del, N409del, N442del, N490del, N523del.
Identifiers: ClinVar variation 1775393 (VCV001775393.7), dbSNP rs2058292338, ClinGen allele CA432522216.